The following is an entry in ClinVar:

NM_004746.4(DLGAP1):c.1548G>A (p.Pro516=)

Gene: DLGAP1 (DLG associated protein 1; minus strand). Cytogenetic location: 18p11.31.
Variant type: single nucleotide variant.
Coding change: c.1548G>A on transcript NM_004746.4 (MANE Select); coding-DNA position 1548, G replaced by A.
Protein change: p.Pro516=; no amino-acid change (proline 516 retained).
Molecular consequence: synonymous variant.
Genome position (GRCh38, 1-based): chr18:3,729,178, C>T on the plus strand (G>A on the coding strand, the complement: DLGAP1 is on the minus strand). VCF-style: chr18-3729178-C-T. GRCh37 (hg19) VCF-style: chr18-3729178-C-T.
Other names: c.642G>A, p.Pro214= (NM_001003809.3, NM_001242765.2, NM_001242766.2 and 1 more transcripts); c.1548G>A, p.Pro516= (NM_001242761.2, NM_001398525.1, NM_001398526.1 and 2 more transcripts); c.684G>A, p.Pro228= (NM_001242762.2, NM_001242763.2, NM_001398533.1 and 2 more transcripts); c.666G>A, p.Pro222= (NM_001242764.2, NM_001308390.2, NM_001398541.1 and 2 more transcripts); c.798G>A, p.Pro266= (NM_001398530.1, NM_001398535.1); c.780G>A, p.Pro260= (NM_001398531.1, NM_001398537.1); c.672G>A, p.Pro224= (NM_001398532.1, NM_001398534.1, NM_001398540.1 and 1 more transcripts); c.756G>A, p.Pro252= (NM_001398536.1).
Identifiers: ClinVar variation 3055806 (VCV003055806.2), dbSNP rs146904332, ClinGen allele CA8876436.
Genomic context (GRCh38, chr18:3,729,178, plus strand): 5'-AGGGCCCGCGCACTCACCCGTGCTGCTCTGGATGGTCCTAACGGTGGTGGTGGTGCGCGG[C>T]GGCGAGGACGACCTCAGGGACACGCACTCGTCGTCCTGGGAGCAGCCTTTCTCAATGGCC-3'
Protein context (NP_004737.2, residues 506-526): DECVSLRSSS[Pro516=]PRTTTTVRTI

ClinVar aggregate classification (germline): Likely benign (0 of 4 stars; one submission).

Conditions:
DLGAP1-related disorder. Also called: DLGAP1-related condition.

Allele frequency attached by ClinVar (database versions not stated): ExAC 0.00003; gnomAD exomes 0.00005; gnomAD 0.00007; TOPMed 0.00009; ESP Exome Variant Server 0.00023.
gnomAD v4.1: 77 of 1,613,132 alleles (0.0048%); highest among the groups gnomAD compares: Middle Eastern, 0.083%; no homozygotes.

Submission:

PreventionGenetics, part of Exact Sciences
Classification: Likely benign for DLGAP1-related condition. Last evaluated: 2019-02-20. Review status: no assertion criteria provided. Collection method: clinical testing. Allele origin: germline.
Comment: This variant is classified as likely benign based on ACMG/AMP sequence variant interpretation guidelines (Richards et al. 2015 PMID: 25741868, with internal and published modifications).